The following is an entry in ClinVar:

NM_020778.5(ALPK3):c.4252T>C (p.Cys1418Arg)

Gene: ALPK3 (alpha kinase 3; plus strand). Cytogenetic location: 15q25.3.
Variant type: single nucleotide variant.
Coding change: c.4252T>C on transcript NM_020778.5 (MANE Select); coding-DNA position 4252, T replaced by C.
Protein change: p.Cys1418Arg; replaces cysteine 1418 with arginine.
Molecular consequence: missense variant.
Genome position (GRCh38, 1-based): chr15:84,862,757, T>C. VCF-style: chr15-84862757-T-C. GRCh37 (hg19) VCF-style: chr15-85405988-T-C.
Other names: c.4858T>C (NM_020778.4); short protein forms C1418R.
Identifiers: ClinVar variation 2777325 (VCV002777325.4), dbSNP rs2505727451, ClinGen allele CA393362914.
Genomic context (GRCh38, chr15:84,862,757, plus strand): 5'-TGGGGGGACAAGCTCTTTGGGCGACTGGTAAGCGAGGAGCTCCGAGGGGGTGGATATGGG[T>C]GTGGCCTTCGGAAGGCCTCCCAGGCCAAGGTCATCTACGGGCTGGAACCCATCTTCGAGT-3'
Protein context (NP_065829.4, residues 1408-1428): SEELRGGGYG[Cys1418Arg]GLRKASQAKV

ClinVar aggregate classification (germline): Uncertain significance. Review status: criteria provided, multiple submitters, no conflicts (2 of 4 stars). 2 submissions from 2 submitters: Uncertain significance (2). Last evaluated 2025-08-09.

Conditions:
Cardiovascular phenotype. Identifiers: MedGen CN230736.

Allele frequency attached by ClinVar (database versions not stated): gnomAD exomes below 0.00001.
gnomAD v4.1: 3 of 1,614,038 alleles (0.00019%); highest among the groups gnomAD compares: Non-Finnish European, 0.000085%; no homozygotes.

Submissions (2):

Ambry Genetics
Classification: Uncertain significance for Cardiovascular phenotype. Last evaluated: 2025-08-09. Review status: criteria provided, single submitter. Criteria: Ambry Variant Classification Scheme 2023. Collection method: clinical testing. Allele origin: germline.

Labcorp Genetics (formerly Invitae), Labcorp
Classification: Uncertain significance. Last evaluated: 2023-09-25. Review status: criteria provided, single submitter. Criteria: Invitae Variant Classification Sherloc (09022015). Collection method: clinical testing. Allele origin: germline.
Comment: In summary, the available evidence is currently insufficient to determine the role of this variant in disease. Therefore, it has been classified as a Variant of Uncertain Significance. Algorithms developed to predict the effect of missense changes on protein structure and function output the following: SIFT: "Not Available"; PolyPhen-2: "Benign"; Align-GVGD: "Not Available". The arginine amino acid residue is found in multiple mammalian species, which suggests that this missense change does not adversely affect protein function. This variant has not been reported in the literature in individuals affected with ALPK3-related conditions. This variant is not present in population databases (gnomAD no frequency). This sequence change replaces cysteine, which is neutral and slightly polar, with arginine, which is basic and polar, at codon 1620 of the ALPK3 protein (p.Cys1620Arg).